The following is an entry in ClinVar:

ClinVar aggregate classification (germline): Uncertain significance (1 of 4 stars; one submission).

gnomAD v4.1: 2 of 1,201,199 alleles (0.00017%); highest among the groups gnomAD compares: Non-Finnish European, 0.00023%; no homozygotes.

Submission:

GeneDx
Classification: Uncertain significance. Last evaluated: 2026-03-17. Review status: criteria provided, single submitter. Criteria: GeneDx Variant Classification Process June 2021. Collection method: clinical testing. Allele origin: germline.
Comment: Not observed at significant frequency in large population cohorts (gnomAD); In silico analysis supports that this missense variant has a deleterious effect on protein structure/function; Has not been previously published as pathogenic or benign to our knowledge

NM_153252.5(BRWD3):c.2963T>C (p.Ile988Thr)

Gene: BRWD3 (bromodomain and WD repeat domain containing 3; minus strand). Cytogenetic location: Xq21.1.
Variant type: single nucleotide variant.
Coding change: c.2963T>C on transcript NM_153252.5 (MANE Select); coding-DNA position 2963, T replaced by C.
Protein change: p.Ile988Thr; replaces isoleucine 988 with threonine.
Molecular consequence: missense variant.
Genome position (GRCh38, 1-based): chrX:80,696,844, A>G on the plus strand (T>C on the coding strand, the complement: BRWD3 is on the minus strand). VCF-style: chrX-80696844-A-G. GRCh37 (hg19) VCF-style: chrX-79952343-A-G.
Other names: c.2813T>C, p.Ile938Thr (NM_001441339.1); short protein forms I988T, I938T.
Identifiers: ClinVar variation 5009112 (VCV005009112.1).